The following is an entry in ClinVar:

ClinVar aggregate classification (germline): Benign. Review status: criteria provided, multiple submitters, no conflicts (2 of 4 stars). 2 submissions from 2 submitters: Benign (2). Last evaluated 2018-06-16.

Allele frequency attached by ClinVar (database versions not stated): gnomAD exomes 0.01440; 1000 Genomes Project 0.03275; 1000 Genomes Project 30x 0.03404; gnomAD 0.03413 and 0.03554; TOPMed 0.03671.
gnomAD v4.1: 22,648 of 1,354,338 alleles (1.7%); highest among the groups gnomAD compares: African/African-American, 9.4%; 499 homozygotes.

Submissions (2):

GeneDx
Classification: Benign. Last evaluated: 2018-06-16. Review status: criteria provided, single submitter. Criteria: GeneDx Variant Classification (06012015). Collection method: clinical testing. Allele origin: germline. Affected: yes.
Comment: This variant is considered likely benign or benign based on one or more of the following criteria: it is a conservative change, it occurs at a poorly conserved position in the protein, it is predicted to be benign by multiple in silico algorithms, and/or has population frequency not consistent with disease.

Breakthrough Genomics
Classification: Benign. Review status: criteria provided, single submitter. Criteria: ACMG Guidelines, 2015. Collection method: not provided. Allele origin: germline. Inheritance: Autosomal recessive inheritance. Affected: yes.

NM_001079802.2(FKTN):c.1044+58C>T

Gene: FKTN (fukutin; plus strand). Cytogenetic location: 9q31.2.
Variant type: single nucleotide variant.
Coding change: c.1044+58C>T on transcript NM_001079802.2 (MANE Select); 58 bases into the intron after coding-DNA position 1044, C replaced by T.
Molecular consequence: intron variant.
Genome position (GRCh38, 1-based): chr9:105,618,150, C>T. VCF-style: chr9-105618150-C-T. GRCh37 (hg19) VCF-style: chr9-108380431-C-T.
Other names: c.1044+58C>T (NM_006731.2, NM_001351496.2, NM_001198963.2 and 1 more transcripts); c.648+58C>T (NM_001351502.2, NM_001351499.2, NM_001351500.2 and 1 more transcripts); c.975+58C>T (NM_001351497.2).
Identifiers: ClinVar variation 671359 (VCV000671359.2), dbSNP rs75946934, ClinGen allele CA197450561.